The following is an entry in ClinVar:

ClinVar aggregate classification (germline): Uncertain significance (1 of 4 stars; one submission).

Conditions:
CALR3-related disorder. Also called: CALR3-related condition.

Submission:

PreventionGenetics, part of Exact Sciences
Classification: Uncertain significance for CALR3-related condition. Last evaluated: 2026-04-28. Review status: criteria provided, single submitter. Criteria: ACMG Guidelines, 2015. Collection method: clinical testing. Allele origin: germline.
Comment: The CALR3 c.775C>T variant is predicted to result in the amino acid substitution p.Pro259Ser. This variant has been reported as a variant of uncertain significance in an individual with hypertrophic cardiomyopathy (Table S2, Chan et al. 2022. PubMed ID: 35747179). This variant has not been reported in a large population database (gnomAD), indicating this variant is rare. At this time, the clinical significance of this variant is uncertain due to the absence of conclusive functional and genetic evidence.

NM_145046.5(CALR3):c.775C>T (p.Pro259Ser)

Gene: CALR3 (calreticulin 3; minus strand). Cytogenetic location: 19p13.11.
Variant type: single nucleotide variant.
Coding change: c.775C>T on transcript NM_145046.5 (MANE Select); coding-DNA position 775, C replaced by T.
Protein change: p.Pro259Ser; replaces proline 259 with serine.
Molecular consequence: missense variant.
Genome position (GRCh38, 1-based): chr19:16,482,689, G>A on the plus strand (C>T on the coding strand, the complement: CALR3 is on the minus strand). VCF-style: chr19-16482689-G-A. GRCh37 (hg19) VCF-style: chr19-16593500-G-A.
Other names: short protein forms P259S.
Identifiers: ClinVar variation 4994333 (VCV004994333.1).